The following is an entry in ClinVar:

NM_003801.4(GPAA1):c.719A>G (p.Glu240Gly)

Gene: GPAA1 (glycosylphosphatidylinositol anchor attachment 1; plus strand). Cytogenetic location: 8q24.3.
Variant type: single nucleotide variant.
Coding change: c.719A>G on transcript NM_003801.4 (MANE Select); coding-DNA position 719, A replaced by G.
Protein change: p.Glu240Gly; replaces glutamic acid 240 with glycine.
Molecular consequence: missense variant.
Genome position (GRCh38, 1-based): chr8:144,084,236, A>G. VCF-style: chr8-144084236-A-G. GRCh37 (hg19) VCF-style: chr8-145139139-A-G.
Other names: short protein forms E240G.
Identifiers: ClinVar variation 802446 (VCV000802446.3), dbSNP rs922800309, ClinGen allele CA187627620.

ClinVar aggregate classification (germline): Conflicting classifications of pathogenicity. Review status: criteria provided, conflicting classifications (1 of 4 stars). 3 submissions from 3 submitters: Likely pathogenic (1); Uncertain significance (2). Last evaluated 2022-10-07.

Conditions:
Glycosylphosphatidylinositol biosynthesis defect 15. Also called: DEVELOPMENTAL DELAY, EPILEPSY, CEREBELLAR ATROPHY, AND OSTEOPENIA. Identifiers: Orphanet 529665, MedGen C4540520, MONDO:0060627, OMIM 617810.

Allele frequency attached by ClinVar (database versions not stated): gnomAD exomes below 0.00001; gnomAD 0.00001.
gnomAD v4.1: 4 of 1,613,618 alleles (0.00025%); highest among the groups gnomAD compares: African/African-American, 0.0013%; no homozygotes.

Submissions (3):

Laboratorio de Genetica e Diagnostico Molecular, Hospital Israelita Albert Einstein
Classification: Uncertain significance for Glycosylphosphatidylinositol biosynthesis defect 15. Last evaluated: 2022-10-07. Review status: criteria provided, single submitter. Criteria: ACMG Guidelines, 2015. Collection method: clinical testing. Allele origin: germline. Affected: yes. Observed: 1 variant allele.
Comment: ACMG classification criteria: PM2 moderated, PP3 supporting

Labcorp Genetics (formerly Invitae), Labcorp
Classification: Uncertain significance. Last evaluated: 2022-06-28. Review status: criteria provided, single submitter. Criteria: Invitae Variant Classification Sherloc (09022015). Collection method: clinical testing. Allele origin: germline.
Comment: This sequence change replaces glutamic acid, which is acidic and polar, with glycine, which is neutral and non-polar, at codon 240 of the GPAA1 protein (p.Glu240Gly). The frequency data for this variant in the population databases is considered unreliable, as metrics indicate poor data quality at this position in the gnomAD database. This variant has not been reported in the literature in individuals affected with GPAA1-related conditions. ClinVar contains an entry for this variant (Variation ID: 802446). Algorithms developed to predict the effect of missense changes on protein structure and function are either unavailable or do not agree on the potential impact of this missense change (SIFT: "Tolerated"; PolyPhen-2: "Probably Damaging"; Align-GVGD: "Class C15"). In summary, the available evidence is currently insufficient to determine the role of this variant in disease. Therefore, it has been classified as a Variant of Uncertain Significance.

Mendelics
Classification: Likely pathogenic for Glycosylphosphatidylinositol biosynthesis defect 15. Last evaluated: 2019-05-28. Review status: criteria provided, single submitter. Criteria: Mendelics Assertion Criteria 2017. Collection method: clinical testing. Allele origin: unknown.